The following is an entry in ClinVar:

NM_002485.5(NBN):c.2135A>G (p.His712Arg)

Gene: NBN (nibrin; minus strand). Cytogenetic location: 8q21.3.
Variant type: single nucleotide variant.
Coding change: c.2135A>G on transcript NM_002485.5 (MANE Select); coding-DNA position 2135, A replaced by G.
Protein change: p.His712Arg; replaces histidine 712 with arginine.
Molecular consequence: missense variant.
Genome position (GRCh38, 1-based): chr8:89,943,302, T>C on the plus strand (A>G on the coding strand, the complement: NBN is on the minus strand). VCF-style: chr8-89943302-T-C. GRCh37 (hg19) VCF-style: chr8-90955530-T-C.
Other names: c.1889A>G, p.His630Arg (NM_001024688.3); short protein forms H630R, H712R.
Identifiers: ClinVar variation 952327 (VCV000952327.10), dbSNP rs1361799559, ClinGen allele CA371675513.

ClinVar aggregate classification (germline): Uncertain significance. Review status: criteria provided, multiple submitters, no conflicts (2 of 4 stars). 2 submissions from 2 submitters: Uncertain significance (2). Last evaluated 2023-10-23.

Conditions:
Hereditary cancer-predisposing syndrome. Also called: Hereditary neoplastic syndrome; Tumor predisposition; Neoplastic Syndromes, Hereditary; Hereditary Cancer Syndrome. Identifiers: Orphanet 140162, MedGen C0027672, MeSH D009386, MONDO:0015356.
Microcephaly, normal intelligence and immunodeficiency (NBS). Also called: IMMUNODEFICIENCY, MICROCEPHALY, AND CHROMOSOMAL INSTABILITY; Ataxia telangiectasia variant V1; SEEMANOVA SYNDROME II; BERLIN BREAKAGE SYNDROME; Nijmegen breakage syndrome; Microcephaly with normal intelligence immunodeficiency and lymphoreticular malignancies. Identifiers: Orphanet 647, MedGen C0398791, MONDO:0009623, OMIM 251260.

Allele frequency attached by ClinVar (database versions not stated): gnomAD exomes below 0.00001; TOPMed 0.00002.
gnomAD v4.1: 2 of 1,613,612 alleles (0.00012%); highest among the groups gnomAD compares: Admixed American, 0.0017%; no homozygotes.

Submissions (2):

Labcorp Genetics (formerly Invitae), Labcorp
Classification: Uncertain significance for Microcephaly, normal intelligence and immunodeficiency. Last evaluated: 2023-10-23. Review status: criteria provided, single submitter. Criteria: Invitae Variant Classification Sherloc (09022015). Collection method: clinical testing. Allele origin: germline.
Comment: This sequence change replaces histidine, which is basic and polar, with arginine, which is basic and polar, at codon 712 of the NBN protein (p.His712Arg). This variant is present in population databases (no rsID available, gnomAD 0.003%). This variant has not been reported in the literature in individuals affected with NBN-related conditions. ClinVar contains an entry for this variant (Variation ID: 952327). Algorithms developed to predict the effect of missense changes on protein structure and function output the following: SIFT: "Not Available"; PolyPhen-2: "Benign"; Align-GVGD: "Not Available". The arginine amino acid residue is found in multiple mammalian species, which suggests that this missense change does not adversely affect protein function. In summary, the available evidence is currently insufficient to determine the role of this variant in disease. Therefore, it has been classified as a Variant of Uncertain Significance.

Ambry Genetics
Classification: Uncertain significance for Hereditary cancer-predisposing syndrome. Last evaluated: 2022-10-03. Review status: criteria provided, single submitter. Criteria: Ambry Variant Classification Scheme 2023. Collection method: clinical testing. Allele origin: germline.
Comment: The p.H712R variant (also known as c.2135A>G), located in coding exon 14 of the NBN gene, results from an A to G substitution at nucleotide position 2135. The histidine at codon 712 is replaced by arginine, an amino acid with highly similar properties. This amino acid position is conserved. In addition, this alteration is predicted to be tolerated by in silico analysis. Since supporting evidence is limited at this time, the clinical significance of this alteration remains unclear.